The following is an entry in ClinVar:

NM_000051.4(ATM):c.587A>G (p.Lys196Arg)

Gene: ATM (ATM serine/threonine kinase; plus strand). Cytogenetic location: 11q22.3.
Variant type: single nucleotide variant.
Coding change: c.587A>G on transcript NM_000051.4 (MANE Select); coding-DNA position 587, A replaced by G.
Protein change: p.Lys196Arg; replaces lysine 196 with arginine.
Molecular consequence: missense variant.
Genome position (GRCh38, 1-based): chr11:108,244,043, A>G. VCF-style: chr11-108244043-A-G. GRCh37 (hg19) VCF-style: chr11-108114770-A-G.
Other names: c.587A>G, p.Lys196Arg (NM_001351834.2); short protein forms K196R.
Identifiers: ClinVar variation 2777454 (VCV002777454.3), dbSNP rs2497132146, ClinGen allele CA382527977.

ClinVar aggregate classification (germline): Uncertain significance (1 of 4 stars; one submission).

Conditions:
Ataxia-telangiectasia syndrome (AT). Also called: Cerebello-oculocutaneous telangiectasia; Immunodeficiency with ataxia telangiectasia; Ataxia-telangiectasia, complementation group E; Ataxia telangiectasia (A-T); LOUIS-BAR SYNDROME; ATAXIA-TELANGIECTASIA, COMPLEMENTATION GROUP A. Identifiers: Orphanet 100, MedGen C0004135, MONDO:0008840, OMIM 208900.

Submission:

Labcorp Genetics (formerly Invitae), Labcorp
Classification: Uncertain significance for Ataxia-telangiectasia syndrome. Last evaluated: 2023-03-31. Review status: criteria provided, single submitter. Criteria: Invitae Variant Classification Sherloc (09022015). Collection method: clinical testing. Allele origin: germline.
Comment: In summary, the available evidence is currently insufficient to determine the role of this variant in disease. Therefore, it has been classified as a Variant of Uncertain Significance. Algorithms developed to predict the effect of missense changes on protein structure and function output the following: SIFT: "Not Available"; PolyPhen-2: "Benign"; Align-GVGD: "Not Available". The arginine amino acid residue is found in multiple mammalian species, which suggests that this missense change does not adversely affect protein function. This variant has not been reported in the literature in individuals affected with ATM-related conditions. This variant is not present in population databases (gnomAD no frequency). This sequence change replaces lysine, which is basic and polar, with arginine, which is basic and polar, at codon 196 of the ATM protein (p.Lys196Arg).